The following is an entry in ClinVar:

ClinVar aggregate classification (germline): Uncertain significance (1 of 4 stars; one submission).

gnomAD v4.1: 2 of 1,599,734 alleles (0.00013%); highest among the groups gnomAD compares: Non-Finnish European, 0.00017%; no homozygotes.

Submission:

Women's Health and Genetics/Laboratory Corporation of America, LabCorp
Classification: Uncertain significance. Last evaluated: 2024-07-09. Review status: criteria provided, single submitter. Criteria: LabCorp Variant Classification Summary - May 2015. Collection method: clinical testing. Allele origin: germline.
Comment: Variant summary: GLI2 c.4186G>C (p.Ala1396Pro) results in a non-conservative amino acid change in the encoded protein sequence. Three of five in-silico tools predict a damaging effect of the variant on protein function. The variant allele was found at a frequency of 4.2e-06 in 238636 control chromosomes. The available data on variant occurrences in the general population are insufficient to allow any conclusion about variant significance. To our knowledge, no occurrence of c.4186G>C in individuals affected with GLI2-Related Disorders and no experimental evidence demonstrating its impact on protein function have been reported. No submitters have cited clinical-significance assessments for this variant to ClinVar. Based on the evidence outlined above, the variant was classified as uncertain significance.

NM_001374353.1(GLI2):c.4135G>C (p.Ala1379Pro)

Gene: GLI2 (GLI family zinc finger 2; plus strand). Cytogenetic location: 2q14.2.
Variant type: single nucleotide variant.
Coding change: c.4135G>C on transcript NM_001374353.1 (MANE Select); coding-DNA position 4135, G replaced by C.
Protein change: p.Ala1379Pro; replaces alanine 1379 with proline.
Molecular consequence: missense variant.
Genome position (GRCh38, 1-based): chr2:120,990,100, G>C. VCF-style: chr2-120990100-G-C. GRCh37 (hg19) VCF-style: chr2-121747676-G-C.
Other names: c.4186G>C, p.Ala1396Pro (NM_001371271.1, NM_005270.5); c.3760G>C, p.Ala1254Pro (NM_001374354.1); short protein forms A1254P, A1379P, A1396P.
Identifiers: ClinVar variation 3339037 (VCV003339037.1).